The following is an entry in ClinVar:

ClinVar aggregate classification (germline): Uncertain significance (1 of 4 stars; one submission).

Conditions:
Long QT syndrome (LQTS). Identifiers: MedGen C0023976, MeSH D008133, MONDO:0002442. Disease mechanism: loss of function. Inheritance: Various modes of inheritance.

Submission:

Labcorp Genetics (formerly Invitae), Labcorp
Classification: Uncertain significance for Long QT syndrome. Last evaluated: 2022-05-04. Review status: criteria provided, single submitter. Criteria: Invitae Variant Classification Sherloc (09022015). Collection method: clinical testing. Allele origin: germline.
Comment: In summary, the available evidence is currently insufficient to determine the role of this variant in disease. Therefore, it has been classified as a Variant of Uncertain Significance. This variant has not been reported in the literature in individuals affected with KCNE1-related conditions. This variant is not present in population databases (gnomAD no frequency). This sequence change disrupts the translational stop signal of the KCNE1 mRNA. It is expected to extend the length of the KCNE1 protein by 18 additional amino acid residues.

NM_000219.6(KCNE1):c.388T>C (p.Ter130Arg)

Gene: KCNE1 (potassium voltage-gated channel subfamily E regulatory subunit 1; minus strand). Cytogenetic location: 21q22.12.
Variant type: single nucleotide variant.
Coding change: c.388T>C on transcript NM_000219.6 (MANE Select); coding-DNA position 388, T replaced by C.
Protein change: p.Ter130Arg.
Molecular consequence: stop lost.
Genome position (GRCh38, 1-based): chr21:34,449,247, A>G on the plus strand (T>C on the coding strand, the complement: KCNE1 is on the minus strand). VCF-style: chr21-34449247-A-G. GRCh37 (hg19) VCF-style: chr21-35821545-A-G.
Other names: c.388T>C, p.Ter130Arg (NM_001127668.4, NM_001127669.4, NM_001127670.4 and 4 more transcripts).
Identifiers: ClinVar variation 1471991 (VCV001471991.6), dbSNP rs2123456481, ClinGen allele CA410197881.